The following is an entry in ClinVar:

NM_000179.3(MSH6):c.2894G>C (p.Arg965Thr)

Gene: MSH6 (mutS homolog 6; plus strand). Cytogenetic location: 2p16.3.
Variant type: single nucleotide variant.
Coding change: c.2894G>C on transcript NM_000179.3 (MANE Select); coding-DNA position 2894, G replaced by C.
Protein change: p.Arg965Thr; replaces arginine 965 with threonine.
Molecular consequence: missense variant.
Genome position (GRCh38, 1-based): chr2:47,800,877, G>C. VCF-style: chr2-47800877-G-C. GRCh37 (hg19) VCF-style: chr2-48028016-G-C.
Other names: c.2504G>C, p.Arg835Thr (NM_001281492.2); c.1988G>C, p.Arg663Thr (NM_001281493.2, NM_001281494.2); short protein forms R965T, R835T, R663T.
Identifiers: ClinVar variation 455224 (VCV000455224.15), dbSNP rs1553414252, ClinGen allele CA346756080.
Genomic context (GRCh38, chr2:47,800,877, plus strand): 5'-GAGAAAATGAACAGAGCCTCCTGGAATACCTAGAGAAACAGCGCAACAGAATTGGCTGTA[G>C]GACCATAGTCTATTGGGGGATTGGTAGGAACCGTTACCAGCTGGAAATTCCTGAGAATTT-3'
Protein context (NP_000170.1, residues 955-975): LEKQRNRIGC[Arg965Thr]TIVYWGIGRN

ClinVar aggregate classification (germline): Conflicting classifications of pathogenicity. Review status: criteria provided, conflicting classifications (1 of 4 stars). 5 submissions from 5 submitters: Uncertain significance (3); Benign (1); Likely benign (1). Last evaluated 2026-10-15.

Conditions:
Hereditary cancer-predisposing syndrome. Also called: Tumor predisposition; Neoplastic Syndromes, Hereditary; Hereditary Cancer Syndrome; Hereditary neoplastic syndrome. Identifiers: Orphanet 140162, MedGen C0027672, MeSH D009386, MONDO:0015356.
Lynch syndrome 5 (LYNCH5). Also called: Colorectal cancer, hereditary nonpolyposis, type 5; Hereditary non-polyposis colorectal cancer, type 5. Identifiers: Orphanet 144, MedGen C1833477, MONDO:0013710, OMIM 614350. Disease mechanism: loss of function.
Hereditary nonpolyposis colorectal neoplasms. Identifiers: MedGen C0009405, MeSH D003123.

Submissions (5):

GeneDx
Classification: Uncertain significance. Last evaluated: 2026-10-15. Review status: criteria provided, single submitter. Criteria: GeneDx Variant Classification Process June 2021. Collection method: clinical testing. Allele origin: germline.
Comment: Not observed at significant frequency in large population cohorts (gnomAD); In silico analysis suggests that this missense variant does not alter protein structure/function; Has not been previously published as pathogenic or benign to our knowledge; This variant is associated with the following publications: (PMID: 21120944, 17531815)

Labcorp Genetics (formerly Invitae), Labcorp
Classification: Benign for Hereditary nonpolyposis colorectal neoplasms. Last evaluated: 2026-01-26. Review status: criteria provided, single submitter. Criteria: Invitae Variant Classification Sherloc (09022015). Collection method: clinical testing. Allele origin: germline.

Ambry Genetics
Classification: Uncertain significance for Hereditary cancer-predisposing syndrome. Last evaluated: 2025-12-11. Review status: criteria provided, single submitter. Criteria: Ambry Variant Classification Scheme 2023. Collection method: clinical testing. Allele origin: germline.
Comment: The p.R965T variant (also known as c.2894G>C), located in coding exon 4 of the MSH6 gene, results from a G to C substitution at nucleotide position 2894. The arginine at codon 965 is replaced by threonine, an amino acid with similar properties. This amino acid position is not well conserved in available vertebrate species. In addition, the in silico prediction for this alteration is inconclusive. Based on the available evidence, the clinical significance of this variant remains unclear.

Quest Diagnostics Nichols Institute San Juan Capistrano
Classification: Uncertain significance. Last evaluated: 2025-11-07. Review status: criteria provided, single submitter. Criteria: Quest Diagnostics criteria. Collection method: clinical testing. Allele origin: unknown.
Comment: The MSH6 c.2894G>C (p.Arg965Thr) variant has not been reported in individuals with MSH6-related conditions in the published literature. This variant has not been reported in large, multi-ethnic general populations (Genome Aggregation Database). Analysis of this variant using bioinformatics tools for the prediction of the effect of amino acid changes on protein structure and function yielded predictions that this variant is benign. Based on the available information, we are unable to determine the clinical significance of this variant.

Myriad Genetics, Inc.
Classification: Likely benign for Lynch syndrome 5. Last evaluated: 2025-01-02. Review status: criteria provided, single submitter. Criteria: Myriad Autosomal Dominant, Autosomal Recessive and X-Linked Classification Criteria (2023). Collection method: clinical testing. Allele origin: unknown.
Comment: This variant is considered likely benign. Homozygosity for this variant has been confirmed in one or more individuals lacking clinical features consistent with gene-specific recessive disease, indicating that this variant is unlikely to be pathogenic.